The following is an entry in ClinVar:

NM_025114.4(CEP290):c.3802C>T (p.Gln1268Ter)

Gene: CEP290 (centrosomal protein 290; minus strand). Cytogenetic location: 12q21.32.
Variant type: single nucleotide variant.
Coding change: c.3802C>T on transcript NM_025114.4 (MANE Select); coding-DNA position 3802, C replaced by T.
Protein change: p.Gln1268Ter; replaces glutamine 1268 with a stop codon.
Molecular consequence: nonsense.
Genome position (GRCh38, 1-based): chr12:88,089,259, G>A on the plus strand (C>T on the coding strand, the complement: CEP290 is on the minus strand). VCF-style: chr12-88089259-G-A. GRCh37 (hg19) VCF-style: chr12-88483036-G-A.
Other names: short protein forms Q1268*.
Identifiers: ClinVar variation 665410 (VCV000665410.13), dbSNP rs1468942944, ClinGen allele CA386000671.

ClinVar aggregate classification (germline): Pathogenic. Review status: criteria provided, multiple submitters, no conflicts (2 of 4 stars). 5 submissions from 5 submitters: Pathogenic (5). Last evaluated 2026-01-26.

Conditions:
Meckel-Gruber syndrome. Also called: GRUBER SYNDROME; DYSENCEPHALIA SPLANCHNOCYSTICA; Dysencephalia splachnocystica. Identifiers: Orphanet 564, MedGen C0265215, MONDO:0018921.
Nephronophthisis. Also called: Juvenile Nephronophthisis. Identifiers: Orphanet 655, MedGen C0687120, MONDO:0019005, HP:0000090.
Joubert syndrome. Also called: JOUBERT-BOLTSHAUSER SYNDROME; Familial aplasia of the vermis. Identifiers: Orphanet 475, MedGen C5979921, MONDO:0018772.
Leber congenital amaurosis 10 (LCA10). Identifiers: Orphanet 65, MedGen C1857821, MONDO:0012723, OMIM 611755.
Meckel syndrome, type 4 (MKS4). Also called: MECKEL-GRUBER SYNDROME, TYPE 4. Identifiers: Orphanet 564, MedGen C1970161, MONDO:0012626, OMIM 611134.
Senior-Loken syndrome 6 (SLSN6). Identifiers: Orphanet 3156, MedGen C1857779, MONDO:0012433, OMIM 610189.
Joubert syndrome 5 (JBTS5). Identifiers: Orphanet 2318, MedGen C1857780, MONDO:0012432, OMIM 610188.
Bardet-Biedl syndrome 14 (BBS14). Identifiers: Orphanet 110, MedGen C2673874, MONDO:0014442, OMIM 615991.
Leber congenital amaurosis (LCA). Also called: Leber's amaurosis. Identifiers: Orphanet 65, MedGen C0339527, MeSH D057130, MONDO:0018998.
CEP290-related ciliopathy. Also called: CEP290 ciliopathy. Identifiers: MedGen CN305601, MONDO:0100451.

Allele frequency attached by ClinVar (database versions not stated): TOPMed below 0.00001; gnomAD 0.00001; gnomAD exomes 0.00001.
gnomAD v4.1: 4 of 1,613,854 alleles (0.00025%); highest among the groups gnomAD compares: East Asian, 0.0089%; no homozygotes.

Submissions (5):

Medical and Scientific Branch, Hong Kong Genome Institute
Classification: Pathogenic for CEP290-related ciliopathy. Last evaluated: 2026-01-26. Review status: criteria provided, single submitter. Criteria: ACMG Guidelines, 2015. Collection method: clinical testing. Allele origin: unknown. Affected: yes.

Natera, Inc.
Classification: Pathogenic for Leber congenital amaurosis. Last evaluated: 2025-02-25. Review status: criteria provided, single submitter. Criteria: Natera Variant Classification Schema (03/2026). Collection method: clinical testing. Allele origin: germline.
Comment: The c.3802C>T variant in CEP290 is a nonsense variant predicted to introduce a stop codon at amino acid 1268. This variant is expected to result in nonsense mediated decay, truncation, or a dysfunctional protein product. This variant is rare in the general population with a frequency below the threshold expected for the associated phenotype(s). This variant has been observed in one or more individuals affected with the associated recessive disease, as either homozygous or compound heterozygous with a second variant (PMID: 36990420). Given the available evidence, this variant is classified as Pathogenic.

Baylor Genetics
Classification: Pathogenic for Bardet-Biedl syndrome 14. Last evaluated: 2023-09-21. Review status: criteria provided, single submitter. Criteria: ACMG Guidelines, 2015. Collection method: clinical testing. Allele origin: unknown.

Labcorp Genetics (formerly Invitae), Labcorp
Classification: Pathogenic for Joubert syndrome; Meckel-Gruber syndrome; Nephronophthisis. Last evaluated: 2021-08-25. Review status: criteria provided, single submitter. Criteria: Invitae Variant Classification Sherloc (09022015). Collection method: clinical testing. Allele origin: germline.
Comment: This premature translational stop signal has been observed in individual(s) with Senior-Loken syndrome (PMID: 23188109). For these reasons, this variant has been classified as Pathogenic. ClinVar contains an entry for this variant (Variation ID: 665410). This variant is not present in population databases (ExAC no frequency). This sequence change creates a premature translational stop signal (p.Gln1268*) in the CEP290 gene. It is expected to result in an absent or disrupted protein product. Loss-of-function variants in CEP290 are known to be pathogenic (PMID: 16909394, 17345604, 20690115).

Juno Genomics, Hangzhou Juno Genomics, Inc
Classification: Pathogenic for Bardet-Biedl syndrome 14; Joubert syndrome 5; Leber congenital amaurosis 10; Meckel syndrome, type 4; Senior-Loken syndrome 6. Review status: criteria provided, single submitter. Criteria: ACMG Guidelines, 2015. Collection method: clinical testing. Allele origin: germline.
Comment: Absent from controls (or at extremely low frequency if recessive) in Genome Aggregation Database.;Null variant in a gene where loss of function (LOF) is a known mechanism of disease.;For recessive disorders, detected in trans with a pathogenic variant.

Literature cited by the submitters: PubMed 36990420 (cited by Natera, Inc.); PubMed 23188109 (cited by Labcorp Genetics (formerly Invitae), Labcorp); PubMed 16909394 (cited by Labcorp Genetics (formerly Invitae), Labcorp); PubMed 17345604 (cited by Labcorp Genetics (formerly Invitae), Labcorp); PubMed 20690115 (cited by Labcorp Genetics (formerly Invitae), Labcorp).